The following is an entry in ClinVar:

NM_015192.4(PLCB1):c.3373G>T (p.Val1125Leu)

Gene: PLCB1 (phospholipase C beta 1; plus strand). Cytogenetic location: 20p12.3.
Variant type: single nucleotide variant.
Coding change: c.3373G>T on transcript NM_015192.4 (MANE Select); coding-DNA position 3373, G replaced by T.
Protein change: p.Val1125Leu; replaces valine 1125 with leucine.
Molecular consequence: missense variant.
Genome position (GRCh38, 1-based): chr20:8,790,211, G>T. VCF-style: chr20-8790211-G-T. GRCh37 (hg19) VCF-style: chr20-8770858-G-T.
Other names: c.3373G>T, p.Val1125Leu (NM_182734.3); short protein forms V1125L.
Identifiers: ClinVar variation 653891 (VCV000653891.9), dbSNP rs773333771, ClinGen allele CA311276778.
Genomic context (GRCh38, chr20:8,790,211, plus strand): 5'-ATGTTTCTTGTAACTTTCTTATAGCTAGAAGAAGCGCAAAGTAAACGGCAAGAAAAACTC[G>T]TAGAGAAACACAAGGAAATACGTCAGCAGATCCTGGATGAAAAGCCCAAGGTAAACGGAA-3'
Protein context (NP_056007.1, residues 1115-1135): EAQSKRQEKL[Val1125Leu]EKHKEIRQQI

ClinVar aggregate classification (germline): Uncertain significance (1 of 4 stars; one submission).

Conditions:
Developmental and epileptic encephalopathy, 12 (DEE12). Identifiers: MedGen C3150988, MONDO:0013389, OMIM 613722.

gnomAD v4.1: 5 of 1,611,856 alleles (0.00031%); highest among the groups gnomAD compares: Non-Finnish European, 0.00034%; no homozygotes.

Submission:

Labcorp Genetics (formerly Invitae), Labcorp
Classification: Uncertain significance for Developmental and epileptic encephalopathy, 12. Last evaluated: 2024-01-31. Review status: criteria provided, single submitter. Criteria: Invitae Variant Classification Sherloc (09022015). Collection method: clinical testing. Allele origin: germline.
Comment: This sequence change replaces valine, which is neutral and non-polar, with leucine, which is neutral and non-polar, at codon 1125 of the PLCB1 protein (p.Val1125Leu). The frequency data for this variant in the population databases is considered unreliable, as metrics indicate poor data quality at this position in the gnomAD database. This variant has not been reported in the literature in individuals affected with PLCB1-related conditions. ClinVar contains an entry for this variant (Variation ID: 653891). Algorithms developed to predict the effect of missense changes on protein structure and function output the following: SIFT: "Not Available"; PolyPhen-2: "Benign"; Align-GVGD: "Not Available". The leucine amino acid residue is found in multiple mammalian species, which suggests that this missense change does not adversely affect protein function. In summary, the available evidence is currently insufficient to determine the role of this variant in disease. Therefore, it has been classified as a Variant of Uncertain Significance.